The following is an entry in ClinVar:

ClinVar aggregate classification (germline): other (0 of 4 stars; one submission).

Conditions:
Familial colorectal cancer. Identifiers: MedGen CN280943, MONDO:0023113. Disease mechanism: loss of function.

Submission:

Systems Biology Platform Zhejiang California International NanoSystems Institute
Classification: other for Familial colorectal cancer. Review status: no assertion criteria provided. Collection method: not provided. Allele origin: unknown.
ClinVar note: Converted during submission from cancer to other.

NM_000038.6(APC):c.835-4672G>T

Gene: APC (APC regulator of WNT signaling pathway; plus strand). Cytogenetic location: 5q22.2.
Variant type: single nucleotide variant.
Coding change: c.835-4672G>T on transcript NM_000038.6 (MANE Select); 4672 bases into the intron before coding-DNA position 835, G replaced by T.
Molecular consequence: intron variant.
Genome position (GRCh38, 1-based): chr5:112,810,823, G>T. VCF-style: chr5-112810823-G-T. GRCh37 (hg19) VCF-style: chr5-112146520-G-T.
Other names: c.835-4672G>T (NM_001354895.2, NM_001127510.3, NM_001354896.2 and 1 more transcripts); c.865-4672G>T (NM_001354897.2, NM_001354902.2); c.781-4672G>T (NM_001127511.3); c.760-4672G>T (NM_001354898.2, NM_001354904.2); c.-16+512G>T (NM_001354906.2); c.751-4672G>T (NM_001354899.2); c.658-4672G>T (NM_001354900.2, NM_001354901.2, NM_001354905.2).
Identifiers: ClinVar variation 83082 (VCV000083082.2), dbSNP rs78350021, ClinGen allele CA015238.